The following is an entry in ClinVar:

NM_005334.3(HCFC1):c.2810C>T (p.Thr937Met)

Gene: HCFC1 (host cell factor C1; minus strand). Cytogenetic location: Xq28.
Variant type: single nucleotide variant.
Coding change: c.2810C>T on transcript NM_005334.3 (MANE Select); coding-DNA position 2810, C replaced by T.
Protein change: p.Thr937Met; replaces threonine 937 with methionine.
Molecular consequence: missense variant.
Genome position (GRCh38, 1-based): chrX:153,956,237, G>A on the plus strand (C>T on the coding strand, the complement: HCFC1 is on the minus strand). VCF-style: chrX-153956237-G-A. GRCh37 (hg19) VCF-style: chrX-153221688-G-A.
Other names: c.2810C>T, p.Thr937Met (NM_001410705.1, NM_001440843.1, NM_001440844.1 and 5 more transcripts); c.2612C>T, p.Thr871Met (NM_001440850.1, NM_001440851.1); short protein forms T871M, T937M.
Identifiers: ClinVar variation 4688555 (VCV004688555.2).

ClinVar aggregate classification (germline): Uncertain significance. Review status: criteria provided, multiple submitters, no conflicts (2 of 4 stars). 2 submissions from 2 submitters: Uncertain significance (2). Last evaluated 2025-12-05.

Conditions:
Methylmalonic acidemia with homocystinuria, type cblX (MAHCX). Also called: INTELLECTUAL DEVELOPMENTAL DISORDER, X-LINKED 3. Identifiers: Orphanet 369962, MedGen C0796208, MONDO:0010657, OMIM 309541.

gnomAD v4.1: 1 of 1,212,349 alleles (0.000082%); no homozygotes.

Submissions (2):

Women's Health and Genetics/Laboratory Corporation of America, LabCorp
Classification: Uncertain significance. Last evaluated: 2025-12-05. Review status: criteria provided, single submitter. Criteria: LabCorp Variant Classification Summary - May 2015. Collection method: clinical testing. Allele origin: germline.
Comment: Variant summary: HCFC1 c.2810C>T (p.Thr937Met) results in a non-conservative amino acid change in the encoded protein sequence. Algorithms developed to predict the effect of missense changes on protein structure and function are either unavailable or do not agree on the potential impact of this missense change. The variant allele was found at a frequency of 5.5e-06 in 182440 control chromosomes. The available data on variant occurrences in the general population are insufficient to allow any conclusion about variant significance. To our knowledge, no occurrence of c.2810C>T in individuals affected with HCFC1-related conditions and no experimental evidence demonstrating its impact on protein function have been reported. No submitters have cited clinical-significance assessments for this variant to ClinVar. Based on the evidence outlined above, the variant was classified as uncertain significance.

Labcorp Genetics (formerly Invitae), Labcorp
Classification: Uncertain significance for Methylmalonic acidemia with homocystinuria, type cblX. Last evaluated: 2025-07-15. Review status: criteria provided, single submitter. Criteria: Invitae Variant Classification Sherloc (09022015). Collection method: clinical testing. Allele origin: germline.
Comment: This sequence change replaces threonine, which is neutral and polar, with methionine, which is neutral and non-polar, at codon 937 of the HCFC1 protein (p.Thr937Met). This variant is present in population databases (no rsID available, gnomAD 0.01%). This variant has not been reported in the literature in individuals affected with HCFC1-related conditions. Invitae Evidence Modeling of protein sequence and biophysical properties (such as structural, functional, and spatial information, amino acid conservation, physicochemical variation, residue mobility, and thermodynamic stability) has been performed for this missense variant. However, the output from this modeling did not meet the statistical confidence thresholds required to predict the impact of this variant on HCFC1 protein function. In summary, the available evidence is currently insufficient to determine the role of this variant in disease. Therefore, it has been classified as a Variant of Uncertain Significance.